The following is an entry in ClinVar:

NM_000133.4(F9):c.952C>T (p.Leu318Phe)

Gene: F9 (coagulation factor IX; plus strand). Cytogenetic location: Xq27.1.
Variant type: single nucleotide variant.
Coding change: c.952C>T on transcript NM_000133.4 (MANE Select); coding-DNA position 952, C replaced by T.
Protein change: p.Leu318Phe; replaces leucine 318 with phenylalanine.
Molecular consequence: missense variant.
Genome position (GRCh38, 1-based): chrX:139,561,637, C>T. VCF-style: chrX-139561637-C-T. GRCh37 (hg19) VCF-style: chrX-138643796-C-T.
Other names: NM_001313913.2:c.838C>T; c.838C>T, p.Leu280Phe (NM_001313913.2); short protein forms L280F, L318F.
Identifiers: ClinVar variation 3390362 (VCV003390362.1).

ClinVar aggregate classification (germline): Pathogenic (3 of 4 stars; one submission).

Conditions:
Hereditary factor IX deficiency disease (HEMB). Also called: F9 DEFICIENCY; FACTOR IX DEFICIENCY; PLASMA THROMBOPLASTIN COMPONENT DEFICIENCY; Hemophilia B; Christmas Disease. Identifiers: Orphanet 98879, MedGen C0008533, MeSH D002836, MONDO:0010604, OMIM 306900.

Submission:

ClinGen Coagulation Factor Deficiency Variant Curation Expert Panel, Clingen
Classification: Pathogenic for Hereditary factor IX deficiency disease. Last evaluated: 2024-10-11. Review status: reviewed by expert panel. Criteria: ClinGen CoagFactor ACMG Specifications F9 V1.0.0. Collection method: curation. Allele origin: germline. Inheritance: X-linked inheritance.
Comment: The c.952C>T; p.Leu318Phe variant is completely absent from gnomAD v2.1.1 and v3.1.1. This missense variant has a REVEL score of 0.943 and meets PP3 criteria (threshold >0.6). At least 4 patients are reported in the literature with moderate-severe hemophilia B and this variant, meeting F9 phenotype criteria for PS4. In summary, this variant meets criteria to be classified as pathogenic. The ACMG/AMP criteria applied, as specified by the Coagulation Factor Deficiency Variant Curation Expert Panel, for F9: PS4, PS2, PP3, PM2_Supporting.